The following is an entry in ClinVar:

NM_005006.7(NDUFS1):c.64C>T (p.Arg22Ter)

Gene: NDUFS1 (NADH:ubiquinone oxidoreductase core subunit S1; minus strand). Cytogenetic location: 2q33.3.
Variant type: single nucleotide variant.
Coding change: c.64C>T on transcript NM_005006.7 (MANE Select); coding-DNA position 64, C replaced by T.
Protein change: p.Arg22Ter; replaces arginine 22 with a stop codon.
Molecular consequence: nonsense. On other transcripts: intron variant (2).
Genome position (GRCh38, 1-based): chr2:206,152,508, G>A on the plus strand (C>T on the coding strand, the complement: NDUFS1 is on the minus strand). VCF-style: chr2-206152508-G-A. GRCh37 (hg19) VCF-style: chr2-207017232-G-A.
Other names: c.64C>T, p.Arg22Ter (NM_001199981.2); c.106C>T, p.Arg36Ter (NM_001199984.2); c.5+1110C>T (NM_001199982.2); c.-19+1110C>T (NM_001199983.2); short protein forms R22*, R36*.
Identifiers: ClinVar variation 626277 (VCV000626277.8), dbSNP rs750971390, ClinGen allele CA2070911.

ClinVar aggregate classification (germline): Pathogenic. Review status: criteria provided, multiple submitters, no conflicts (2 of 4 stars). 5 submissions from 5 submitters: Pathogenic (4). 1 of the submissions does not count toward it. Last evaluated 2025-09-19.

Conditions:
Mitochondrial complex I deficiency, nuclear type 5. Also called: Mitochondrial complex 1 deficiency, nuclear type 5. Identifiers: MedGen C4748754, MONDO:0032610, OMIM 618226.
Mitochondrial complex I deficiency, nuclear type 1. Also called: NADH-COENZYME Q REDUCTASE DEFICIENCY; MITOCHONDRIAL NADH DEHYDROGENASE COMPONENT OF COMPLEX I, DEFICIENCY OF. Identifiers: MedGen C6022305, MONDO:0100224, OMIM 252010.

Allele frequency attached by ClinVar (database versions not stated): TOPMed 0.00001; ExAC 0.00003; gnomAD exomes 0.00003 and below 0.00001; gnomAD 0.00001.
gnomAD v4.1: 7 of 1,613,396 alleles (0.00043%); highest among the groups gnomAD compares: East Asian, 0.013%; no homozygotes.

Submissions (5):

First Genomix Gene Laboratory, Genetic Diagnostics Department
Classification: Pathogenic for Mitochondrial complex I deficiency, nuclear type 5. Last evaluated: 2025-09-19. Review status: criteria provided, single submitter. Criteria: ACMG Guidelines, 2015. Collection method: clinical testing. Allele origin: germline. Inheritance: Autosomal recessive inheritance. Affected: no. Observed: 1 variant allele.

Labcorp Genetics (formerly Invitae), Labcorp
Classification: Pathogenic. Last evaluated: 2024-09-20. Review status: criteria provided, single submitter. Criteria: Invitae Variant Classification Sherloc (09022015). Collection method: clinical testing. Allele origin: germline.
Comment: This sequence change creates a premature translational stop signal (p.Arg22*) in the NDUFS1 gene. It is expected to result in an absent or disrupted protein product. Loss-of-function variants in NDUFS1 are known to be pathogenic (PMID: 11349233, 22200994). This variant is present in population databases (rs750971390, gnomAD 0.03%). This premature translational stop signal has been observed in individual(s) with clinical features of NDUFS1-related conditions (PMID: 31178897). ClinVar contains an entry for this variant (Variation ID: 626277). For these reasons, this variant has been classified as Pathogenic.

Fulgent Genetics
Classification: Pathogenic for Mitochondrial complex I deficiency, nuclear type 5. Last evaluated: 2022-02-27. Review status: criteria provided, single submitter. Criteria: ACMG Guidelines, 2015. Collection method: clinical testing. Allele origin: unknown.

Juno Genomics, Hangzhou Juno Genomics, Inc
Classification: Pathogenic for Mitochondrial complex I deficiency, nuclear type 5. Review status: criteria provided, single submitter. Criteria: ACMG Guidelines, 2015. Collection method: clinical testing. Allele origin: germline. Affected: yes.
Comment: Absent from controls (or at extremely low frequency if recessive) in Genome Aggregation Database.;Null variant in a gene where loss of function (LOF) is a known mechanism of disease.;For recessive disorders, detected in trans with a pathogenic variant.;Patient's phenotype or family history is highly specific for a disease with a single genetic etiology.

Biochemistry Laboratory of CDMU, Chengde Medical University
Classification: Pathogenic for Mitochondrial complex I deficiency, nuclear type 1. Review status: no assertion criteria provided. Criteria: ACMG Guidelines, 2015. Collection method: case-control. Allele origin: inherited. Affected: yes. Not counted in ClinVar's aggregate classification.

Literature cited by the submitters: PubMed 11349233 (cited by Labcorp Genetics (formerly Invitae), Labcorp); PubMed 22200994 (cited by Labcorp Genetics (formerly Invitae), Labcorp); PubMed 31178897 (cited by Labcorp Genetics (formerly Invitae), Labcorp).